The following is an entry in ClinVar:

ClinVar aggregate classification (germline): Uncertain significance (1 of 4 stars; one submission).

Submission:

Labcorp Genetics (formerly Invitae), Labcorp
Classification: Uncertain significance. Last evaluated: 2024-03-20. Review status: criteria provided, single submitter. Criteria: Invitae Variant Classification Sherloc (09022015). Collection method: clinical testing. Allele origin: germline.
Comment: This sequence change replaces proline, which is neutral and non-polar, with arginine, which is basic and polar, at codon 249 of the A2ML1 protein (p.Pro249Arg). This variant is not present in population databases (gnomAD no frequency). This variant has not been reported in the literature in individuals affected with A2ML1-related conditions. ClinVar contains an entry for this variant (Variation ID: 1525705). An algorithm developed to predict the effect of missense changes on protein structure and function (PolyPhen-2) suggests that this variant is likely to be disruptive. In summary, the available evidence is currently insufficient to determine the role of this variant in disease. Therefore, it has been classified as a Variant of Uncertain Significance.

NM_144670.6(A2ML1):c.746C>G (p.Pro249Arg)

Gene: A2ML1 (alpha-2-macroglobulin like 1; plus strand). Cytogenetic location: 12p13.31.
Variant type: single nucleotide variant.
Coding change: c.746C>G on transcript NM_144670.6 (MANE Select); coding-DNA position 746, C replaced by G.
Protein change: p.Pro249Arg; replaces proline 249 with arginine.
Molecular consequence: missense variant.
Genome position (GRCh38, 1-based): chr12:8,837,457, C>G. VCF-style: chr12-8837457-C-G. GRCh37 (hg19) VCF-style: chr12-8990053-C-G.
Other names: short protein forms P249R.
Identifiers: ClinVar variation 1525705 (VCV001525705.8), dbSNP rs2136774349, ClinGen allele CA383822759.